The following is an entry in ClinVar:

ClinVar aggregate classification (germline): Uncertain significance (1 of 4 stars; one submission).

Conditions:
Familial adenomatous polyposis 1 (FAP1). Also called: POLYPOSIS, ADENOMATOUS INTESTINAL; FAMILIAL ADENOMATOUS POLYPOSIS 1, ATTENUATED. Identifiers: MedGen C2713442, MONDO:0021056, OMIM 175100. Disease mechanism: loss of function.

Submission:

Labcorp Genetics (formerly Invitae), Labcorp
Classification: Uncertain significance for Familial adenomatous polyposis 1. Last evaluated: 2019-04-01. Review status: criteria provided, single submitter. Criteria: Invitae Variant Classification Sherloc (09022015). Collection method: clinical testing. Allele origin: germline.
Comment: This variant results in a copy number gain of the genomic region encompassing exons 2-5 of the APC gene. The 5' end of this event is likely confined to intron 1 of the APC gene, but not affecting promoters 1A and 1B. The 3' boundary is likely confined to intron 5 of the APC gene. While the exact position of this variant cannot be determined from this data, sub-genic copy number gains are generally in tandem (PMID: 25640679). Similar copy number gains involving exons 2-4, 2-6, 2-8, and 2-11 have been observed in individuals with clinical features consistent with familial adenomatous polyposis (FAP) or attenuated FAP (AFAP) (PMID: 18406876, 23561487, Invitae). However, this particular gain of exons 2-5 has been observed in one or more individuals who were not affected with clinical features of FAP or AFAP (Invitae). In summary, the available evidence is currently insufficient to determine the role of this variant in disease. Therefore, it has been classified as a Variant of Uncertain Significance.

Literature cited by the submitters: PubMed 23561487; PubMed 18406876.

NC_000005.9:g.(?_112090582)_(112111440_?)dup

Gene: APC (APC regulator of Wnt signaling pathway; plus strand). Cytogenetic location: 5q22.2.
Variant type: Duplication.
Identifiers: ClinVar variation 469689 (VCV000469689.3).